The following is an entry in ClinVar:

NM_004006.3(DMD):c.5544G>A (p.Lys1848=)

Gene: DMD (dystrophin; minus strand). Cytogenetic location: Xp21.1.
Variant type: single nucleotide variant.
Coding change: c.5544G>A on transcript NM_004006.3 (MANE Select); coding-DNA position 5544, G replaced by A.
Protein change: p.Lys1848=; no amino-acid change (lysine 1848 retained).
Molecular consequence: synonymous variant.
Genome position (GRCh38, 1-based): chrX:32,345,985, C>T on the plus strand (G>A on the coding strand, the complement: DMD is on the minus strand). VCF-style: chrX-32345985-C-T. GRCh37 (hg19) VCF-style: chrX-32364102-C-T.
Other names: c.5520G>A, p.Lys1840= (NM_000109.4); c.5532G>A, p.Lys1844= (NM_004009.3); c.5175G>A, p.Lys1725= (NM_004010.3); c.1521G>A, p.Lys507= (NM_004011.4); c.1512G>A, p.Lys504= (NM_004012.4).
Identifiers: ClinVar variation 681662 (VCV000681662.11), dbSNP rs369623931, ClinGen allele CA515714282.

ClinVar aggregate classification (germline): Likely benign. Review status: criteria provided, multiple submitters, no conflicts (2 of 4 stars). 3 submissions from 3 submitters: Likely benign (3). Last evaluated 2026-01-05.

Conditions:
Cardiovascular phenotype. Identifiers: MedGen CN230736.
Duchenne muscular dystrophy (DMD). Also called: MUSCULAR DYSTROPHY, PSEUDOHYPERTROPHIC PROGRESSIVE, DUCHENNE TYPE; Duchenne Muscular Dystrophy (DMD). Identifiers: Orphanet 98896, MedGen C0013264, MONDO:0010679, OMIM 310200.

gnomAD v4.1: 1 of 1,209,070 alleles (0.000083%); no homozygotes.

Submissions (3):

Labcorp Genetics (formerly Invitae), Labcorp
Classification: Likely benign for Duchenne muscular dystrophy. Last evaluated: 2026-01-05. Review status: criteria provided, single submitter. Criteria: Invitae Variant Classification Sherloc (09022015). Collection method: clinical testing. Allele origin: germline.

Ambry Genetics
Classification: Likely benign for Cardiovascular phenotype. Last evaluated: 2022-11-19. Review status: criteria provided, single submitter. Criteria: Ambry Variant Classification Scheme 2023. Collection method: clinical testing. Allele origin: germline.

GeneDx
Classification: Likely benign. Last evaluated: 2018-04-10. Review status: criteria provided, single submitter. Criteria: GeneDx Variant Classification (06012015). Collection method: clinical testing. Allele origin: germline. Affected: yes.
Comment: This variant is considered likely benign or benign based on one or more of the following criteria: it is a conservative change, it occurs at a poorly conserved position in the protein, it is predicted to be benign by multiple in silico algorithms, and/or has population frequency not consistent with disease.